The following is an entry in ClinVar:

NM_016156.6(MTMR2):c.1395C>T (p.Gly465=)

Gene: MTMR2 (myotubularin related protein 2; minus strand). Cytogenetic location: 11q21.
Variant type: single nucleotide variant.
Coding change: c.1395C>T on transcript NM_016156.6 (MANE Select); coding-DNA position 1395, C replaced by T.
Protein change: p.Gly465=; no amino-acid change (glycine 465 retained).
Molecular consequence: synonymous variant.
Genome position (GRCh38, 1-based): chr11:95,841,701, G>A on the plus strand (C>T on the coding strand, the complement: MTMR2 is on the minus strand). VCF-style: chr11-95841701-G-A. GRCh37 (hg19) VCF-style: chr11-95574865-G-A.
Other names: c.1395C>T (NM_016156.5); c.1179C>T, p.Gly393= (NM_201278.3, NM_201281.3, NM_001243571.2).
Identifiers: ClinVar variation 1108504 (VCV001108504.10), dbSNP rs369925329, ClinGen allele CA6239998.

ClinVar aggregate classification (germline): Likely benign. Review status: criteria provided, multiple submitters, no conflicts (2 of 4 stars). 2 submissions from 2 submitters: Likely benign (2). Last evaluated 2026-02-06.

Conditions:
MTMR2-related disorder. Also called: MTMR2-related condition.
Charcot-Marie-Tooth disease type 4. Also called: Charcot-Marie-Tooth, Type 4; Charcot-Marie-Tooth disease, type IV. Identifiers: Orphanet 64749, MedGen C4082197, MONDO:0018995.

Allele frequency attached by ClinVar (database versions not stated): ExAC 0.00004; gnomAD exomes 0.00004 and 0.00007; TOPMed 0.00004; gnomAD 0.00005 and 0.00006; ESP Exome Variant Server 0.00008.

Submissions (2):

PreventionGenetics, part of Exact Sciences
Classification: Likely benign for MTMR2-related condition. Last evaluated: 2026-02-06. Review status: criteria provided, single submitter. Criteria: ACMG Guidelines, 2015. Collection method: clinical testing. Allele origin: germline.
Comment: This variant is classified as likely benign based on ACMG/AMP sequence variant interpretation guidelines (Richards et al. 2015 PMID: 25741868, with internal and published modifications).

Labcorp Genetics (formerly Invitae), Labcorp
Classification: Likely benign for Charcot-Marie-Tooth disease type 4. Last evaluated: 2025-09-29. Review status: criteria provided, single submitter. Criteria: Invitae Variant Classification Sherloc (09022015). Collection method: clinical testing. Allele origin: germline.